The following is an entry in ClinVar:

ClinVar aggregate classification (germline): Uncertain significance (1 of 4 stars; one submission).

Conditions:
Ehlers-Danlos syndrome, type 4 (EDSVASC). Also called: Ehlers-Danlos syndrome vascular type; Ehlers Danlos syndrome, ecchymotic type; Ehlers Danlos syndrome, arterial type; Ehlers Danlos syndrome, Sack-Barabas type; Ehlers-Danlos Syndrome Type IV. Identifiers: Orphanet 286, MedGen C0268338, MONDO:0017314, OMIM 130050.

Submission:

All of Us Research Program, National Institutes of Health
Classification: Uncertain significance for Ehlers-Danlos syndrome, type 4. Last evaluated: 2024-04-25. Review status: criteria provided, single submitter. Criteria: ACMG Guidelines, 2015. Collection method: clinical testing. Allele origin: germline. Inheritance: Autosomal dominant inheritance. Observed: 1 variant allele, 1 heterozygote.
Comment: This missense variant replaces glycine with cysteine at codon 747 of the COL3A1 protein. Computational prediction tools indicate that this variant has a deleterious impact on protein structure and function. This variant changes one of the conserved glycine residues within the Gly-Xaa-Yaa repeat motifs of the triple helical domain of the COL3A1 protein. Although functional studies have not been performed for this variant, conserved glycine residues within the Gly-Xaa-Yaa repeats are required for the structural stability of fibrillar collagens (PMID: 7695699, 8218237, 19344236) and missense variants occurring at these glycine residues have been associated with disease (PMID: 24922459, 25758994). This variant has not been reported in individuals affected with COL3A1-related disorders in the literature. This variant has not been identified in the general population by the Genome Aggregation Database (gnomAD). The available evidence is insufficient to determine the role of this variant in disease conclusively. Therefore, this variant is classified as a Variant of Uncertain Significance.

This study involves interpretation of variants in research participants for the purpose of population health screening. Participant phenotype was not available at the time of variant classification. Additional details can be found in publication PMID: 35346344, PMCID: PMC8962531

Literature cited by the submitters: PubMed 7695699; PubMed 8218237; PubMed 19344236; PubMed 24922459; PubMed 25758994.

NM_000090.4(COL3A1):c.2239G>T (p.Gly747Cys)

Gene: COL3A1 (collagen type III alpha 1 chain; plus strand). Cytogenetic location: 2q32.2.
Variant type: single nucleotide variant.
Coding change: c.2239G>T on transcript NM_000090.4 (MANE Select); coding-DNA position 2239, G replaced by T.
Protein change: p.Gly747Cys; replaces glycine 747 with cysteine.
Molecular consequence: missense variant.
Genome position (GRCh38, 1-based): chr2:188,999,851, G>T. VCF-style: chr2-188999851-G-T. GRCh37 (hg19) VCF-style: chr2-189864577-G-T.
Other names: short protein forms G747C.
Identifiers: ClinVar variation 3386463 (VCV003386463.1).